The following is an entry in ClinVar:

ClinVar aggregate classification (germline): Uncertain significance. Review status: criteria provided, multiple submitters, no conflicts (2 of 4 stars). 2 submissions from 2 submitters: Uncertain significance (2). Last evaluated 2025-01-27.

Allele frequency attached by ClinVar (database versions not stated): TOPMed below 0.00001; gnomAD 0.00001; gnomAD exomes 0.00001; ExAC 0.00002.
gnomAD v4.1: 5 of 1,613,940 alleles (0.00031%); highest among the groups gnomAD compares: Admixed American, 0.0017%; no homozygotes.

Submissions (2):

Labcorp Genetics (formerly Invitae), Labcorp
Classification: Uncertain significance. Last evaluated: 2025-01-27. Review status: criteria provided, single submitter. Criteria: Invitae Variant Classification Sherloc (09022015). Collection method: clinical testing. Allele origin: germline.
Comment: This sequence change replaces leucine, which is neutral and non-polar, with proline, which is neutral and non-polar, at codon 2070 of the LRP2 protein (p.Leu2070Pro). This variant is present in population databases (rs753340366, gnomAD 0.003%). This variant has not been reported in the literature in individuals affected with LRP2-related conditions. ClinVar contains an entry for this variant (Variation ID: 1414086). Invitae Evidence Modeling of protein sequence and biophysical properties (such as structural, functional, and spatial information, amino acid conservation, physicochemical variation, residue mobility, and thermodynamic stability) indicates that this missense variant is not expected to disrupt LRP2 protein function with a negative predictive value of 80%. In summary, the available evidence is currently insufficient to determine the role of this variant in disease. Therefore, it has been classified as a Variant of Uncertain Significance.

GeneDx
Classification: Uncertain significance. Last evaluated: 2023-05-04. Review status: criteria provided, single submitter. Criteria: GeneDx Variant Classification Process June 2021. Collection method: clinical testing. Allele origin: germline. Affected: yes.
Comment: Not observed at significant frequency in large population cohorts (gnomAD); In silico analysis supports that this missense variant has a deleterious effect on protein structure/function; Has not been previously published as pathogenic or benign to our knowledge

NM_004525.3(LRP2):c.6209T>C (p.Leu2070Pro)

Gene: LRP2 (LDL receptor related protein 2; minus strand). Cytogenetic location: 2q31.1.
Variant type: single nucleotide variant.
Coding change: c.6209T>C on transcript NM_004525.3 (MANE Select); coding-DNA position 6209, T replaced by C.
Protein change: p.Leu2070Pro; replaces leucine 2070 with proline.
Molecular consequence: missense variant.
Genome position (GRCh38, 1-based): chr2:169,212,039, A>G on the plus strand (T>C on the coding strand, the complement: LRP2 is on the minus strand). VCF-style: chr2-169212039-A-G. GRCh37 (hg19) VCF-style: chr2-170068549-A-G.
Other names: c.6209T>C (NM_004525.2); short protein forms L2070P.
Identifiers: ClinVar variation 1414086 (VCV001414086.4), dbSNP rs753340366, ClinGen allele CA1954343.
Genomic context (GRCh38, chr2:169,212,039, plus strand): 5'-ACCGGCACCATGGTTTCTGAATGATCTGACAATTCCAAGCTAAAGCCTCTGATTGCAGAC[A>G]GCATTGAAACAACAATGAAAGAGTTATATGGAGAGCAGGACCGATTATCAGGATTGAGTT-3'
Protein context (NP_004516.2, residues 2060-2080): PYNSFIVVSM[Leu2070Pro]SAIRGFSLEL